The following is an entry in ClinVar:

ClinVar aggregate classification (germline): Likely pathogenic (1 of 4 stars; one submission).

Conditions:
Cerebellar atrophy, visual impairment, and psychomotor retardation;. Also called: Cerebellar atrophy, visual impairment, and psychomotor retardation. Identifiers: MedGen C4225172, MONDO:0014811, OMIM 616875.

Submission:

Juno Genomics, Hangzhou Juno Genomics, Inc
Classification: Likely pathogenic for Cerebellar atrophy, visual impairment, and psychomotor retardation;. Review status: criteria provided, single submitter. Criteria: ACMG Guidelines, 2015. Collection method: clinical testing. Allele origin: germline. Affected: yes.
Comment: Absent from controls (or at extremely low frequency if recessive) in Genome Aggregation Database, Exome Sequencing Project, 1000 Genomes Project, or Exome Aggregation Consortium.;Null variant in a gene where loss of function (LOF) is a known mechanism of disease.;Patient's phenotype or family history is highly specific for a disease with a single genetic etiology.

NM_015047.3(EMC1):c.95+1G>T

Gene: EMC1 (ER membrane protein complex subunit 1; minus strand). Cytogenetic location: 1p36.13.
Variant type: single nucleotide variant.
Coding change: c.95+1G>T on transcript NM_015047.3 (MANE Select); the canonical splice donor site of the intron after coding-DNA position 95, G replaced by T.
Molecular consequence: splice donor variant.
Genome position (GRCh38, 1-based): chr1:19,251,414, C>A on the plus strand (G>T on the coding strand, the complement: EMC1 is on the minus strand). VCF-style: chr1-19251414-C-A. GRCh37 (hg19) VCF-style: chr1-19577908-C-A.
Other names: c.95+1G>T (NM_001271429.2, NM_001271427.2, NM_001375821.1 and 2 more transcripts).
Identifiers: ClinVar variation 3382617 (VCV003382617.2).
Genomic context (GRCh38, chr1:19,251,414, plus strand): 5'-TAGGAGACAGGTACTGGGGAAACAGCCACTTATCTCTCGAATATGTTCCACACGTACGCA[C>A]CAATCAAACTTGCCCACTTGGTCTTCGTAGACCGCGGCCGCAGGAATCAGCAGCGTAGCC-3'